The following is an entry in ClinVar:

NM_001277115.2(DNAH11):c.7756T>C (p.Tyr2586His)

Gene: DNAH11 (dynein axonemal heavy chain 11; plus strand). Cytogenetic location: 7p15.3.
Variant type: single nucleotide variant.
Coding change: c.7756T>C on transcript NM_001277115.2 (MANE Select); coding-DNA position 7756, T replaced by C.
Protein change: p.Tyr2586His; replaces tyrosine 2586 with histidine.
Molecular consequence: missense variant.
Genome position (GRCh38, 1-based): chr7:21,738,811, T>C. VCF-style: chr7-21738811-T-C. GRCh37 (hg19) VCF-style: chr7-21778429-T-C.
Other names: short protein forms Y2586H.
Identifiers: ClinVar variation 163111 (VCV000163111.25), dbSNP rs2003417, ClinGen allele CA175731.

ClinVar aggregate classification (germline): Benign/Likely benign. Review status: criteria provided, multiple submitters, no conflicts (2 of 4 stars). 7 submissions from 7 submitters: Benign (5); Likely benign (2). Last evaluated 2026-02-04.

Conditions:
Primary ciliary dyskinesia. Also called: Ciliary dyskinesia. Identifiers: Orphanet 244, MedGen C0008780, MONDO:0016575, HP:0012265.

Allele frequency attached by ClinVar (database versions not stated): 1000 Genomes Project 0.01458; 1000 Genomes Project 30x 0.01499; TOPMed 0.03236; gnomAD 0.03454 and 0.03504; gnomAD exomes 0.03740 and 0.05283; ESP Exome Variant Server 0.04163; ExAC 0.05768.
gnomAD v4.1: 81,563 of 1,604,626 alleles (5.1%); highest among the groups gnomAD compares: Non-Finnish European, 6%; 2,372 homozygotes.

Submissions (7):

Labcorp Genetics (formerly Invitae), Labcorp
Classification: Benign for Primary ciliary dyskinesia. Last evaluated: 2026-02-04. Review status: criteria provided, single submitter. Criteria: Invitae Variant Classification Sherloc (09022015). Collection method: clinical testing. Allele origin: germline.

Blueprint Genetics
Classification: Likely benign. Last evaluated: 2024-11-27. Review status: criteria provided, single submitter. Criteria: ACMG Guidelines, 2015. Collection method: clinical testing. Allele origin: germline.

Mayo Clinic Laboratories, Mayo Clinic
Classification: Benign. Last evaluated: 2022-04-26. Review status: criteria provided, single submitter. Criteria: ACMG Guidelines, 2015. Collection method: clinical testing. Allele origin: germline. Observed: 19 variant alleles.

GeneDx
Classification: Benign. Last evaluated: 2019-02-05. Review status: criteria provided, single submitter. Criteria: GeneDx Variant Classification Process June 2021. Collection method: clinical testing. Allele origin: germline. Affected: yes.

Laboratory for Molecular Medicine, Mass General Brigham Personalized Medicine
Classification: Benign. Last evaluated: 2013-02-21. Review status: criteria provided, single submitter. Criteria: LMM Criteria. Collection method: clinical testing. Allele origin: germline. Observed: 15 variant alleles.
Comment: Tyr2586His in exon 47 of DNAH11: This variant is not expected to have clinical s ignificance because it has been identified in 5.5% (471/8562) of European Americ an chromosomes from a broad population by the NHLBI Exome Sequencing Project (dbSNP rs2003417).

Breakthrough Genomics
Classification: Likely benign. Review status: criteria provided, single submitter. Criteria: ACMG Guidelines, 2015. Collection method: not provided. Allele origin: germline. Inheritance: Autosomal recessive inheritance. Affected: yes.

PreventionGenetics, part of Exact Sciences
Classification: Benign. Review status: criteria provided, single submitter. Criteria: ACMG Guidelines, 2015. Collection method: clinical testing. Allele origin: germline.